The following is an entry in ClinVar:

ClinVar aggregate classification (germline): Uncertain significance (1 of 4 stars; one submission).

Conditions:
Bloom syndrome (BLM). Also called: Bloom-Torre-Machacek syndrome. Identifiers: Orphanet 125, MedGen C0005859, MONDO:0008876, OMIM 210900.

Submission:

Labcorp Genetics (formerly Invitae), Labcorp
Classification: Uncertain significance for Bloom syndrome. Last evaluated: 2020-05-07. Review status: criteria provided, single submitter. Criteria: Invitae Variant Classification Sherloc (09022015). Collection method: clinical testing. Allele origin: germline.
Comment: This variant results in a copy number gain of the genomic region encompassing the full coding sequence of the BLM gene. The boundaries of this event are unknown as they extend beyond the assayed region for this gene and therefore may encompass additional genes. As the precise location of this event is unknown, it may be in tandem or it may be located elsewhere in the genome. This variant has not been reported in the literature in individuals with BLM-related conditions. In summary, the available evidence is currently insufficient to determine the role of this variant in disease. Therefore, it has been classified as a Variant of Uncertain Significance.

NC_000015.9:g.(?_91259558)_(91359692_?)dup

Gene: BLM (BLM RecQ like helicase; plus strand). Cytogenetic location: 15q26.1.
Variant type: Duplication.
Identifiers: ClinVar variation 831391 (VCV000831391.2).